The following is an entry in ClinVar:

NM_005228.5(EGFR):c.2011C>A (p.Arg671Ser)

Gene: EGFR (epidermal growth factor receptor; plus strand). Cytogenetic location: 7p11.2.
Variant type: single nucleotide variant.
Coding change: c.2011C>A on transcript NM_005228.5 (MANE Select); coding-DNA position 2011, C replaced by A.
Protein change: p.Arg671Ser; replaces arginine 671 with serine.
Molecular consequence: missense variant.
Genome position (GRCh38, 1-based): chr7:55,173,074, C>A. VCF-style: chr7-55173074-C-A. GRCh37 (hg19) VCF-style: chr7-55240767-C-A.
Other names: c.1876C>A, p.Arg626Ser (NM_001346897.2, NM_001346899.2); c.2011C>A, p.Arg671Ser (NM_001346898.2); c.1852C>A, p.Arg618Ser (NM_001346900.2); c.1210C>A, p.Arg404Ser (NM_001346941.2); short protein forms R626S, R618S, R404S, R671S.
Identifiers: ClinVar variation 3660062 (VCV003660062.2).

ClinVar aggregate classification (germline): Uncertain significance (1 of 4 stars; one submission).

Conditions:
EGFR-related lung cancer (EGFR). Identifiers: MedGen CN130014.

Submission:

Labcorp Genetics (formerly Invitae), Labcorp
Classification: Uncertain significance for EGFR-related lung cancer. Last evaluated: 2024-07-21. Review status: criteria provided, single submitter. Criteria: Invitae Variant Classification Sherloc (09022015). Collection method: clinical testing. Allele origin: germline.
Comment: This sequence change replaces arginine, which is basic and polar, with serine, which is neutral and polar, at codon 671 of the EGFR protein (p.Arg671Ser). This variant is not present in population databases (gnomAD no frequency). This variant has not been reported in the literature in individuals affected with EGFR-related conditions. Advanced modeling of protein sequence and biophysical properties (such as structural, functional, and spatial information, amino acid conservation, physicochemical variation, residue mobility, and thermodynamic stability) performed at Invitae indicates that this missense variant is not expected to disrupt EGFR protein function with a negative predictive value of 80%. In summary, the available evidence is currently insufficient to determine the role of this variant in disease. Therefore, it has been classified as a Variant of Uncertain Significance.